The following is an entry in ClinVar:

NM_001291088.2(WDR87):c.8219G>A (p.Arg2740His)

Gene: WDR87 (WD repeat domain 87; minus strand). Cytogenetic location: 19q13.13.
Variant type: single nucleotide variant.
Coding change: c.8219G>A on transcript NM_001291088.2 (MANE Select); coding-DNA position 8219, G replaced by A.
Protein change: p.Arg2740His; replaces arginine 2740 with histidine.
Molecular consequence: missense variant.
Genome position (GRCh38, 1-based): chr19:37,885,452, C>T on the plus strand (G>A on the coding strand, the complement: WDR87 is on the minus strand). VCF-style: chr19-37885452-C-T. GRCh37 (hg19) VCF-style: chr19-38376092-C-T.
Other names: c.8102G>A, p.Arg2701His (NM_031951.5); short protein forms R2740H, R2701H.
Identifiers: ClinVar variation 2387798 (VCV002387798.5), dbSNP rs185291608, ClinGen allele CA9408381.

ClinVar aggregate classification (germline): Uncertain significance. Review status: criteria provided, multiple submitters, no conflicts (2 of 4 stars). 2 submissions from 2 submitters: Uncertain significance (2). Last evaluated 2024-12-23.

Allele frequency attached by ClinVar (database versions not stated): ExAC 0.00009; TOPMed 0.00014; gnomAD 0.00018; 1000 Genomes Project 0.00020; gnomAD exomes 0.00020; ESP Exome Variant Server 0.00022; 1000 Genomes Project 30x 0.00047.
gnomAD v4.1: 304 of 1,551,578 alleles (0.02%); highest among the groups gnomAD compares: Non-Finnish European, 0.024%; no homozygotes.

Submissions (2):

Ambry Genetics
Classification: Uncertain significance. Last evaluated: 2024-12-23. Review status: criteria provided, single submitter. Criteria: Ambry Variant Classification Scheme 2023. Collection method: clinical testing. Allele origin: germline.

Labcorp Genetics (formerly Invitae), Labcorp
Classification: Uncertain significance. Last evaluated: 2024-02-18. Review status: criteria provided, single submitter. Criteria: Invitae Variant Classification Sherloc (09022015). Collection method: clinical testing. Allele origin: germline.
Comment: This sequence change replaces arginine, which is basic and polar, with histidine, which is basic and polar, at codon 2701 of the WDR87 protein (p.Arg2701His). This variant is present in population databases (rs185291608, gnomAD 0.04%). This variant has not been reported in the literature in individuals affected with WDR87-related conditions. ClinVar contains an entry for this variant (Variation ID: 2387798). Experimental studies and prediction algorithms are not available or were not evaluated, and the functional significance of this variant is currently unknown. In summary, the available evidence is currently insufficient to determine the role of this variant in disease. Therefore, it has been classified as a Variant of Uncertain Significance.